The following is an entry in ClinVar:

NM_000429.3(MAT1A):c.427A>T (p.Thr143Ser)

Gene: MAT1A (methionine adenosyltransferase 1A; minus strand). Cytogenetic location: 10q22.3.
Variant type: single nucleotide variant.
Coding change: c.427A>T on transcript NM_000429.3 (MANE Select); coding-DNA position 427, A replaced by T.
Protein change: p.Thr143Ser; replaces threonine 143 with serine.
Molecular consequence: missense variant.
Genome position (GRCh38, 1-based): chr10:80,280,295, T>A on the plus strand (A>T on the coding strand, the complement: MAT1A is on the minus strand). VCF-style: chr10-80280295-T-A. GRCh37 (hg19) VCF-style: chr10-82040051-T-A.
Other names: short protein forms T143S.
Identifiers: ClinVar variation 3671543 (VCV003671543.2).

ClinVar aggregate classification (germline): Uncertain significance (1 of 4 stars; one submission).

Conditions:
Hepatic methionine adenosyltransferase deficiency. Also called: Methionine adenosyltransferase deficiency; Deficiency of methionine adenosyltransferase; MAT I/III DEFICIENCY; Isolated Persistent Hypermethioninemia. Identifiers: Orphanet 168598, MedGen C0268621, MeSH C564683, MONDO:0009607, OMIM 250850.

gnomAD v4.1: 2 of 1,614,062 alleles (0.00012%); highest among the groups gnomAD compares: Admixed American, 0.0033%; no homozygotes.

Submission:

Labcorp Genetics (formerly Invitae), Labcorp
Classification: Uncertain significance for Hepatic methionine adenosyltransferase deficiency. Last evaluated: 2024-12-05. Review status: criteria provided, single submitter. Criteria: Invitae Variant Classification Sherloc (09022015). Collection method: clinical testing. Allele origin: germline.
Comment: This sequence change replaces threonine, which is neutral and polar, with serine, which is neutral and polar, at codon 143 of the MAT1A protein (p.Thr143Ser). This variant is not present in population databases (gnomAD no frequency). This variant has not been reported in the literature in individuals affected with MAT1A-related conditions. Invitae Evidence Modeling of protein sequence and biophysical properties (such as structural, functional, and spatial information, amino acid conservation, physicochemical variation, residue mobility, and thermodynamic stability) indicates that this missense variant is not expected to disrupt MAT1A protein function with a negative predictive value of 80%. In summary, the available evidence is currently insufficient to determine the role of this variant in disease. Therefore, it has been classified as a Variant of Uncertain Significance.